The following is an entry in ClinVar:

NM_012470.4(TNPO3):c.1690+1G>T

Gene: TNPO3 (transportin 3; minus strand). Cytogenetic location: 7q32.1.
Variant type: single nucleotide variant.
Coding change: c.1690+1G>T on transcript NM_012470.4 (MANE Select); the canonical splice donor site of the intron after coding-DNA position 1690, G replaced by T.
Molecular consequence: splice donor variant. On other transcripts: intron variant (2).
Genome position (GRCh38, 1-based): chr7:128,986,728, C>A on the plus strand (G>T on the coding strand, the complement: TNPO3 is on the minus strand). VCF-style: chr7-128986728-C-A. GRCh37 (hg19) VCF-style: chr7-128626782-C-A.
Other names: c.1546+1G>T (NM_001382221.1); c.1543+1G>T (NM_001382222.1); c.1582+1G>T (NM_001382219.1); c.1499-2469G>T (NM_001382223.1, NM_001191028.3); c.1690+1G>T (NM_001382220.1, NM_001382218.1); c.1792+1G>T (NM_001382216.1); c.1771+1G>T (NM_001382217.1).
Identifiers: ClinVar variation 4076667 (VCV004076667.1).

ClinVar aggregate classification (germline): Uncertain significance (1 of 4 stars; one submission).

Submission:

GeneDx
Classification: Uncertain significance. Last evaluated: 2025-02-25. Review status: criteria provided, single submitter. Criteria: GeneDx Variant Classification Process June 2021. Collection method: clinical testing. Allele origin: germline. Affected: yes.
Comment: Not observed at significant frequency in large population cohorts (gnomAD); Canonical splice site variant with an unclear effect on protein function; Has not been previously published as pathogenic or benign to our knowledge